The following is an entry in ClinVar:

ClinVar aggregate classification (germline): Uncertain significance. Review status: criteria provided, multiple submitters, no conflicts (2 of 4 stars). 2 submissions from 2 submitters: Uncertain significance (2). Last evaluated 2026-01-20.

Conditions:
SIM1-related disorder. Also called: SIM1-related condition; SIM1-related disorders.

Allele frequency attached by ClinVar (database versions not stated): ExAC 0.00001.
gnomAD v4.1: 19 of 1,613,750 alleles (0.0012%); highest among the groups gnomAD compares: Middle Eastern, 0.082%; no homozygotes.

Submissions (2):

PreventionGenetics, part of Exact Sciences
Classification: Uncertain significance for SIM1-related condition. Last evaluated: 2026-01-20. Review status: criteria provided, single submitter. Criteria: ACMG Guidelines, 2015. Collection method: clinical testing. Allele origin: germline.
Comment: The SIM1 c.596C>G variant is predicted to result in the amino acid substitution p.Ser199Cys. To our knowledge, this variant has not been reported in the literature. This variant is reported in 0.0062% of alleles in individuals of African descent in gnomAD. At this time, the clinical significance of this variant is uncertain due to the absence of conclusive functional and genetic evidence.

Labcorp Genetics (formerly Invitae), Labcorp
Classification: Uncertain significance. Last evaluated: 2022-07-12. Review status: criteria provided, single submitter. Criteria: Invitae Variant Classification Sherloc (09022015). Collection method: clinical testing. Allele origin: germline.
Comment: Algorithms developed to predict the effect of missense changes on protein structure and function are either unavailable or do not agree on the potential impact of this missense change (SIFT: "Tolerated"; PolyPhen-2: "Probably Damaging"; Align-GVGD: "Class C0"). ClinVar contains an entry for this variant (Variation ID: 1391986). This variant has not been reported in the literature in individuals affected with SIM1-related conditions. This variant is present in population databases (rs781416633, gnomAD 0.007%). This sequence change replaces serine, which is neutral and polar, with cysteine, which is neutral and slightly polar, at codon 199 of the SIM1 protein (p.Ser199Cys). In summary, the available evidence is currently insufficient to determine the role of this variant in disease. Therefore, it has been classified as a Variant of Uncertain Significance.

NM_005068.3(SIM1):c.596C>G (p.Ser199Cys)

Gene: SIM1 (SIM bHLH transcription factor 1; minus strand). Cytogenetic location: 6q16.3.
Variant type: single nucleotide variant.
Coding change: c.596C>G on transcript NM_005068.3 (MANE Select); coding-DNA position 596, C replaced by G.
Protein change: p.Ser199Cys; replaces serine 199 with cysteine.
Molecular consequence: missense variant.
Genome position (GRCh38, 1-based): chr6:100,448,626, G>C on the plus strand (C>G on the coding strand, the complement: SIM1 is on the minus strand). VCF-style: chr6-100448626-G-C. GRCh37 (hg19) VCF-style: chr6-100896502-G-C.
Other names: c.596C>G (NM_005068.2); c.596C>G, p.Ser199Cys (NM_001374769.1); short protein forms S199C.
Identifiers: ClinVar variation 1391986 (VCV001391986.7), dbSNP rs781416633, ClinGen allele CA3937258.